The following is an entry in ClinVar:

NM_153717.3(EVC):c.1564-6C>T

Gene: EVC (EvC ciliary complex subunit 1; plus strand). Cytogenetic location: 4p16.2.
Variant type: single nucleotide variant.
Coding change: c.1564-6C>T on transcript NM_153717.3 (MANE Select); 6 bases into the intron before coding-DNA position 1564, C replaced by T.
Molecular consequence: intron variant.
Genome position (GRCh38, 1-based): chr4:5,783,546, C>T. VCF-style: chr4-5783546-C-T. GRCh37 (hg19) VCF-style: chr4-5785273-C-T.
Other names: c.1564-6C>T (NM_001306090.2).
Identifiers: ClinVar variation 349182 (VCV000349182.40), dbSNP rs188245524, ClinGen allele CA2836185.

ClinVar aggregate classification (germline): Benign/Likely benign. Review status: criteria provided, multiple submitters, no conflicts (2 of 4 stars). 3 submissions from 3 submitters: Benign (1); Likely benign (2). Last evaluated 2026-01-12.

Conditions:
Ellis-van Creveld syndrome (EVC). Also called: Chondroectodermal dysplasia; MESOECTODERMAL DYSPLASIA. Identifiers: Orphanet 289, MedGen C0013903, MONDO:0009162, OMIM 225500.
Curry-Hall syndrome (WAD). Also called: WEYERS ACRODENTAL DYSOSTOSIS. Identifiers: Orphanet 952, MedGen C0457013, MONDO:0008673, OMIM 193530.

Allele frequency attached by ClinVar (database versions not stated): gnomAD 0.00019 and 0.00008; TOPMed 0.00021; gnomAD exomes 0.00025 and 0.00031; ExAC 0.00041; 1000 Genomes Project 0.00100; 1000 Genomes Project 30x 0.00109.
gnomAD v4.1: 392 of 1,614,090 alleles (0.024%); highest among the groups gnomAD compares: East Asian, 0.53%; 2 homozygotes.

Submissions (3):

Labcorp Genetics (formerly Invitae), Labcorp
Classification: Benign for Curry-Hall syndrome; Ellis-van Creveld syndrome. Last evaluated: 2026-01-12. Review status: criteria provided, single submitter. Criteria: Invitae Variant Classification Sherloc (09022015). Collection method: clinical testing. Allele origin: germline.

CeGaT Center for Human Genetics Tuebingen
Classification: Likely benign. Last evaluated: 2022-10-01. Review status: criteria provided, single submitter. Criteria: CeGaT Center For Human Genetics Tuebingen Variant Classification Criteria Version 2. Collection method: clinical testing. Allele origin: germline. Affected: yes. Observed: 1 variant allele.
Comment: EVC: BP4

Illumina Laboratory Services, Illumina
Classification: Likely benign for Ellis-van Creveld syndrome. Last evaluated: 2018-01-13. Review status: criteria provided, single submitter. Criteria: ICSL Variant Classification Criteria 13 December 2019. Collection method: clinical testing. Allele origin: germline.
Comment: This variant was observed in the ICSL laboratory as part of a predisposition screen in an ostensibly healthy population. It had not been previously curated by ICSL or reported in the Human Gene Mutation Database (HGMD: prior to June 1st, 2018), and was therefore a candidate for classification through an automated scoring system. Utilizing variant allele frequency, disease prevalence and penetrance estimates, and inheritance mode, an automated score was calculated to assess if this variant is too frequent to cause the disease. Based on the score and internal cut-off values, a variant classified as likely benign is not then subjected to further curation. The score for this variant resulted in a classification of likely benign for this disease.